The following is an entry in ClinVar:

NM_006767.4(LZTR1):c.2509G>A (p.Gly837Ser)

Gene: LZTR1 (leucine zipper like transcription regulator 1; plus strand). Cytogenetic location: 22q11.21.
Variant type: single nucleotide variant.
Coding change: c.2509G>A on transcript NM_006767.4 (MANE Select); coding-DNA position 2509, G replaced by A.
Protein change: p.Gly837Ser; replaces glycine 837 with serine.
Molecular consequence: missense variant.
Genome position (GRCh38, 1-based): chr22:20,997,334, G>A. VCF-style: chr22-20997334-G-A. GRCh37 (hg19) VCF-style: chr22-21351623-G-A.
Other names: short protein forms G837S.
Identifiers: ClinVar variation 1034314 (VCV001034314.1), dbSNP rs1924904363, ClinGen allele CA410781971.

ClinVar aggregate classification (germline): Uncertain significance (1 of 4 stars; one submission).

Conditions:
Noonan syndrome 10 (NS10). Identifiers: Orphanet 648, MedGen C4225280, MONDO:0014693, OMIM 616564.

Submission:

Baylor Genetics
Classification: Uncertain significance for Noonan syndrome 10. Last evaluated: 2018-03-23. Review status: criteria provided, single submitter. Criteria: ACMG Guidelines, 2015. Collection method: clinical testing. Allele origin: maternal. Affected: yes.
Comment: This variant was determined to be of uncertain significance according to ACMG Guidelines, 2015 [PMID:25741868].